The following is an entry in ClinVar:

ClinVar aggregate classification (germline): Uncertain significance (1 of 4 stars; one submission).

Submission:

Labcorp Genetics (formerly Invitae), Labcorp
Classification: Uncertain significance. Last evaluated: 2022-03-26. Review status: criteria provided, single submitter. Criteria: Invitae Variant Classification Sherloc (09022015). Collection method: clinical testing. Allele origin: germline.
Comment: This variant is not present in population databases (gnomAD no frequency). This sequence change replaces methionine, which is neutral and non-polar, with isoleucine, which is neutral and non-polar, at codon 890 of the STAG2 protein (p.Met890Ile). This variant has not been reported in the literature in individuals affected with STAG2-related conditions. Algorithms developed to predict the effect of missense changes on protein structure and function (SIFT, PolyPhen-2, Align-GVGD) all suggest that this variant is likely to be tolerated. In summary, the available evidence is currently insufficient to determine the role of this variant in disease. Therefore, it has been classified as a Variant of Uncertain Significance.

NM_001042750.2(STAG2):c.2670G>A (p.Met890Ile)

Gene: STAG2 (STAG2 cohesin complex component; plus strand). Cytogenetic location: Xq25.
Variant type: single nucleotide variant.
Coding change: c.2670G>A on transcript NM_001042750.2 (MANE Select); coding-DNA position 2670, G replaced by A.
Protein change: p.Met890Ile; replaces methionine 890 with isoleucine.
Molecular consequence: missense variant.
Genome position (GRCh38, 1-based): chrX:124,076,468, G>A. VCF-style: chrX-124076468-G-A. GRCh37 (hg19) VCF-style: chrX-123210318-G-A.
Other names: c.2670G>A, p.Met890Ile (NM_001042749.2, NM_001042751.2, NM_001282418.2 and 13 more transcripts); short protein forms M890I.
Identifiers: ClinVar variation 2117095 (VCV002117095.4), dbSNP rs2522161361, ClinGen allele CA414278411.